The following is an entry in ClinVar:

NM_025114.4(CEP290):c.7008C>T (p.Gly2336=)

Gene: CEP290 (centrosomal protein 290; minus strand). Cytogenetic location: 12q21.32.
Variant type: single nucleotide variant.
Coding change: c.7008C>T on transcript NM_025114.4 (MANE Select); coding-DNA position 7008, C replaced by T.
Protein change: p.Gly2336=; no amino-acid change (glycine 2336 retained).
Molecular consequence: synonymous variant.
Genome position (GRCh38, 1-based): chr12:88,054,366, G>A on the plus strand (C>T on the coding strand, the complement: CEP290 is on the minus strand). VCF-style: chr12-88054366-G-A. GRCh37 (hg19) VCF-style: chr12-88448143-G-A.
Identifiers: ClinVar variation 1520886 (VCV001520886.8), dbSNP rs2136636238, ClinGen allele CA481053924.

ClinVar aggregate classification (germline): Uncertain significance (1 of 4 stars; one submission).

Conditions:
Nephronophthisis. Also called: Juvenile Nephronophthisis. Identifiers: Orphanet 655, MedGen C0687120, MONDO:0019005, HP:0000090.
Meckel-Gruber syndrome. Also called: DYSENCEPHALIA SPLANCHNOCYSTICA; GRUBER SYNDROME; Dysencephalia splachnocystica. Identifiers: Orphanet 564, MedGen C0265215, MONDO:0018921.
Joubert syndrome. Also called: CEREBELLOPARENCHYMAL DISORDER IV; JOUBERT-BOLTSHAUSER SYNDROME; Familial aplasia of the vermis. Identifiers: Orphanet 475, MedGen C5979921, MONDO:0018772.

Submission:

Labcorp Genetics (formerly Invitae), Labcorp
Classification: Uncertain significance for Joubert syndrome; Meckel-Gruber syndrome; Nephronophthisis. Last evaluated: 2022-06-20. Review status: criteria provided, single submitter. Criteria: Invitae Variant Classification Sherloc (09022015). Collection method: clinical testing. Allele origin: germline.
Comment: This sequence change affects codon 2336 of the CEP290 mRNA. It is a 'silent' change, meaning that it does not change the encoded amino acid sequence of the CEP290 protein. This variant is not present in population databases (gnomAD no frequency). This variant has not been reported in the literature in individuals affected with CEP290-related conditions. Algorithms developed to predict the effect of sequence changes on RNA splicing suggest that this variant may disrupt the consensus splice site. In summary, the available evidence is currently insufficient to determine the role of this variant in disease. Therefore, it has been classified as a Variant of Uncertain Significance.